The following is an entry in ClinVar:

ClinVar aggregate classification (germline): Uncertain significance (1 of 4 stars; one submission).

Conditions:
Cardiovascular phenotype. Identifiers: MedGen CN230736.

gnomAD v4.1: 2 of 1,520,388 alleles (0.00013%); no homozygotes.

Submission:

Ambry Genetics
Classification: Uncertain significance for Cardiovascular phenotype. Last evaluated: 2021-11-19. Review status: criteria provided, single submitter. Criteria: Ambry Variant Classification Scheme 2023. Collection method: clinical testing. Allele origin: germline.
Comment: The p.D3286A variant (also known as c.9857A>C), located in coding exon 2 of the ZNF469 gene, results from an A to C substitution at nucleotide position 9857. The aspartic acid at codon 3286 is replaced by alanine, an amino acid with dissimilar properties. This amino acid position is conserved. In addition, this alteration is predicted to be tolerated by in silico analysis. Since supporting evidence is limited at this time, the clinical significance of this alteration remains unclear.

NM_001367624.2(ZNF469):c.9941A>C (p.Asp3314Ala)

Gene: ZNF469 (zinc finger protein 469; plus strand). Cytogenetic location: 16q24.2.
Variant type: single nucleotide variant.
Coding change: c.9941A>C on transcript NM_001367624.2 (MANE Select); coding-DNA position 9941, A replaced by C.
Protein change: p.Asp3314Ala; replaces aspartic acid 3314 with alanine.
Molecular consequence: missense variant.
Genome position (GRCh38, 1-based): chr16:88,437,411, A>C. VCF-style: chr16-88437411-A-C. GRCh37 (hg19) VCF-style: chr16-88503819-A-C.
Other names: NM_001127464.1:c.9857A>C; short protein forms D3314A.
Identifiers: ClinVar variation 1768408 (VCV001768408.2), dbSNP rs757791330, ClinGen allele CA397125228.